The following is an entry in ClinVar:

NM_000218.3(KCNQ1):c.845T>C (p.Leu282Pro)

Gene: KCNQ1 (potassium voltage-gated channel subfamily Q member 1; plus strand). Cytogenetic location: 11p15.5.
Variant type: single nucleotide variant.
Coding change: c.845T>C on transcript NM_000218.3 (MANE Select); coding-DNA position 845, T replaced by C.
Protein change: p.Leu282Pro; replaces leucine 282 with proline.
Molecular consequence: missense variant.
Genome position (GRCh38, 1-based): chr11:2,572,910, T>C. VCF-style: chr11-2572910-T-C. GRCh37 (hg19) VCF-style: chr11-2594140-T-C.
Other names: c.845T>C (LRG_287t1); c.845T>C, p.Leu282Pro (NM_001406836.1); c.575T>C, p.Leu192Pro (NM_001406837.1); c.464T>C, p.Leu155Pro (NM_181798.2); short protein forms L282P, L155P, L192P.
Identifiers: ClinVar variation 67113 (VCV000067113.9), dbSNP rs199472733, ClinGen allele CA008471.

ClinVar aggregate classification (germline): Conflicting classifications of pathogenicity. Review status: criteria provided, conflicting classifications (1 of 4 stars). 3 submissions from 3 submitters: Likely pathogenic (1); Uncertain significance (1). 1 of the submissions does not count toward it. Last evaluated 2024-07-21.

Conditions:
Cardiovascular phenotype. Identifiers: MedGen CN230736.
Familial long QT syndrome (RWS). Also called: Congenital long QT syndrome; Romano-Ward syndrome; VENTRICULAR FIBRILLATION WITH PROLONGED QT INTERVAL. Identifiers: Orphanet 768, MedGen C1141890, MONDO:0019171.
Long QT syndrome (LQTS). Identifiers: MedGen C0023976, MeSH D008133, MONDO:0002442. Disease mechanism: loss of function. Inheritance: Various modes of inheritance.

Submissions (3):

Labcorp Genetics (formerly Invitae), Labcorp
Classification: Likely pathogenic for Long QT syndrome. Last evaluated: 2024-07-21. Review status: criteria provided, single submitter. Criteria: Invitae Variant Classification Sherloc (09022015). Collection method: clinical testing. Allele origin: germline.
Comment: This sequence change replaces leucine, which is neutral and non-polar, with proline, which is neutral and non-polar, at codon 282 of the KCNQ1 protein (p.Leu282Pro). This variant is not present in population databases (gnomAD no frequency). This missense change has been observed in individuals with long QT syndrome (Invitae). ClinVar contains an entry for this variant (Variation ID: 67113). Advanced modeling of protein sequence and biophysical properties (such as structural, functional, and spatial information, amino acid conservation, physicochemical variation, residue mobility, and thermodynamic stability) performed at Invitae indicates that this missense variant is expected to disrupt KCNQ1 protein function with a positive predictive value of 95%. In summary, the currently available evidence indicates that the variant is pathogenic, but additional data are needed to prove that conclusively. Therefore, this variant has been classified as Likely Pathogenic.

Ambry Genetics
Classification: Uncertain significance for Cardiovascular phenotype. Last evaluated: 2021-03-25. Review status: criteria provided, single submitter. Criteria: Ambry Variant Classification Scheme 2023. Collection method: clinical testing. Allele origin: germline.

Cardiovascular Biomedical Research Unit, Royal Brompton & Harefield NHS Foundation Trust
No classification provided. Condition: Familial long QT syndrome. Review status: no classification provided. Collection method: literature only. Allele origin: germline. Not counted in ClinVar's aggregate classification.
Comment: This variant has been reported as associated with Long QT syndrome in the following publications (PMID:19716085). This is a literature report, and does not necessarily reflect the clinical interpretation of the Imperial College / Royal Brompton Cardiovascular Genetics laboratory.

Literature cited by the submitters: PubMed 19716085 (cited by Cardiovascular Biomedical Research Unit, Royal Brompton & Harefield NHS Foundation Trust); PubMed 22581653 (cited by Cardiovascular Biomedical Research Unit, Royal Brompton & Harefield NHS Foundation Trust).